The following is an entry in ClinVar:

NM_000261.2(MYOC):c.365G>T (p.Gly122Val)

Gene: MYOC (myocilin; minus strand). Cytogenetic location: 1q24.3.
Variant type: single nucleotide variant.
Coding change: c.365G>T on transcript NM_000261.2 (MANE Select); coding-DNA position 365, G replaced by T.
Protein change: p.Gly122Val; replaces glycine 122 with valine.
Molecular consequence: missense variant.
Genome position (GRCh38, 1-based): chr1:171,652,247, C>A on the plus strand (G>T on the coding strand, the complement: MYOC is on the minus strand). VCF-style: chr1-171652247-C-A. GRCh37 (hg19) VCF-style: chr1-171621387-C-A.
Other names: NM_000261.2(MYOC):c.365G>T; p.Gly122Val; short protein forms G122V.
Identifiers: ClinVar variation 1302992 (VCV001302992.4), dbSNP rs1395679980, ClinGen allele CA343718552.
Genomic context (GRCh38, chr1:171,652,247, plus strand): 5'-TAGGCAGTCTCCAACTCTCTGGTTTGGGTTTCCAGCTGGTCCCGCTCCCGCCTCAGGGTG[C>A]CCAGCTCCCTCTGCAGCCCCTCCTGGGTCTCCTGGGGCCTGGCAGCCTGGTCCAAGGTCA-3'
Protein context (NP_000252.1, residues 112-132): ETQEGLQREL[Gly122Val]TLRRERDQLE

ClinVar aggregate classification (germline): Uncertain significance. Review status: reviewed by expert panel (3 of 4 stars). 2 submissions from 2 submitters: Uncertain significance (1). 1 of the submissions does not count toward it. Last evaluated 2025-11-12.

Conditions:
Open-angle glaucoma. Identifiers: MedGen C0017612, MONDO:0005338, HP:0012108.

Allele frequency attached by ClinVar (database versions not stated): gnomAD exomes 0.00001 and below 0.00001.
gnomAD v4.1: 5 of 1,614,184 alleles (0.00031%); highest among the groups gnomAD compares: Admixed American, 0.0083%; no homozygotes.

Submissions (2):

ClinGen Glaucoma Variant Curation Expert Panel
Classification: Uncertain significance for Open-angle glaucoma. Last evaluated: 2025-11-12. Review status: reviewed by expert panel. Criteria: ClinGen Glaucoma ACMG Specifications V2.0.0 Approved. Collection method: curation. Allele origin: germline. Inheritance: Autosomal dominant inheritance.
Comment: The c.365G>T variant in MYOC is a missense variant predicted to cause substitution of Glycine by Valine at amino acid 122 (p.Gly122Val). The highest minor allele frequency of this variant was in the Admixed American genetic ancestry group of gnomAD (v4.1.0) = 0.00008329 (5 alleles out of 60,032), which met the ≤ 0.0001 threshold set for PM2_Supporting in a genetic ancestry group of at least 10,000 alleles. The REVEL score = 0.062, which was within the 0.017-0.183 range for BP4_Moderate, suggesting that the variant does not impact MYOC function. There was no functional evidence predicting a damaging or benign impact of this variant on MYOC function. Only 1 proband with juvenile open angle glaucoma had been reported (pers. comm. GeneDX), not meeting the ≥ 2 probands threshold required to meet PS4_Supporting. In summary, this variant met the criteria to receive a score of -1 and to be classified as a variant of uncertain significance (uncertain significance classification range -1 to 5, adapted from PMID: 32720330) for primary open angle glaucoma based on the ACMG/AMP criteria met, as specified by the ClinGen Glaucoma VCEP (v2.0.0, 5 Dec 2024): BP4_Moderate, PM2_Supporting.

GeneDx
Classification: Uncertain significance. Last evaluated: 2020-04-23. Review status: criteria provided, single submitter. Criteria: GeneDx Variant Classification Process June 2021. Collection method: clinical testing. Allele origin: germline. Affected: yes. Not counted in ClinVar's aggregate classification.
Comment: Not observed at a significant frequency in large population cohorts (Lek et al., 2016); In silico analysis supports that this missense variant does not alter protein structure/function; Has not been previously published as pathogenic or benign to our knowledge